The following is an entry in ClinVar:

NM_000497.4(CYP11B1):c.595+1G>C

Genes: CYP11B1 (cytochrome P450 family 11 subfamily B member 1; minus strand), LOC106799833 (CYP11B1 recombination region; plus strand). Cytogenetic location: 8q24.3.
Variant type: single nucleotide variant.
Coding change: c.595+1G>C on transcript NM_000497.4 (MANE Select); the canonical splice donor site of the intron after coding-DNA position 595, G replaced by C.
Molecular consequence: splice donor variant.
Genome position (GRCh38, 1-based): chr8:142,877,022, C>G on the plus strand (G>C on the coding strand, the complement: CYP11B1 is on the minus strand). VCF-style: chr8-142877022-C-G. GRCh37 (hg19) VCF-style: chr8-143958438-C-G.
Other names: c.595+1G>C (NM_001026213.1).
Identifiers: ClinVar variation 2503930 (VCV002503930.1), dbSNP rs1264073726, ClinGen allele CA372395825.

ClinVar aggregate classification (germline): Likely pathogenic (1 of 4 stars; one submission).

Conditions:
Congenital adrenal hyperplasia. Identifiers: Orphanet 418, MedGen C0001627, MONDO:0018479, HP:0008258.

Submission:

Women's Health and Genetics/Laboratory Corporation of America, LabCorp
Classification: Likely pathogenic for Congenital adrenal hyperplasia. Last evaluated: 2023-04-05. Review status: criteria provided, single submitter. Criteria: LabCorp Variant Classification Summary - May 2015. Collection method: clinical testing. Allele origin: germline.
Comment: Variant summary: CYP11B1 c.595+1G>C is located in a canonical splice-site and is predicted to affect mRNA splicing resulting in a significantly altered protein due to either exon skipping, shortening, or inclusion of intronic material. Several computational tools predict a significant impact on normal splicing: Four predict the variant abolishes a canonical 5' splicing donor site. However, these predictions have yet to be confirmed by functional studies. The variant was absent in 249814 control chromosomes (gnomAD). To our knowledge, no occurrence of c.595+1G>C in individuals affected with Congenital Adrenal Hyperplasia and no experimental evidence demonstrating its impact on protein function have been reported. No clinical diagnostic laboratories have submitted clinical-significance assessments for this variant to ClinVar after 2014. Based on the evidence outlined above, the variant was classified as likely pathogenic.